The following is an entry in ClinVar:

ClinVar aggregate classification (germline): Uncertain significance (1 of 4 stars; one submission).

Conditions:
Werner syndrome (WRN). Identifiers: Orphanet 902, MedGen C0043119, MONDO:0010196, OMIM 277700.

Submission:

Labcorp Genetics (formerly Invitae), Labcorp
Classification: Uncertain significance for Werner syndrome. Last evaluated: 2025-09-04. Review status: criteria provided, single submitter. Criteria: Invitae Variant Classification Sherloc (09022015). Collection method: clinical testing. Allele origin: germline.
Comment: This sequence change replaces valine, which is neutral and non-polar, with phenylalanine, which is neutral and non-polar, at codon 1144 of the WRN protein (p.Val1144Phe). This variant is not present in population databases (gnomAD no frequency). This variant has not been reported in the literature in individuals affected with WRN-related conditions. ClinVar contains an entry for this variant (Variation ID: 1440122). An algorithm developed to predict the effect of missense changes on protein structure and function (PolyPhen-2) suggests that this variant is likely to be disruptive. In summary, the available evidence is currently insufficient to determine the role of this variant in disease. Therefore, it has been classified as a Variant of Uncertain Significance.

NM_000553.6(WRN):c.3430G>T (p.Val1144Phe)

Gene: WRN (WRN RecQ like helicase; plus strand). Cytogenetic location: 8p12.
Variant type: single nucleotide variant.
Coding change: c.3430G>T on transcript NM_000553.6 (MANE Select); coding-DNA position 3430, G replaced by T.
Protein change: p.Val1144Phe; replaces valine 1144 with phenylalanine.
Molecular consequence: missense variant.
Genome position (GRCh38, 1-based): chr8:31,147,099, G>T. VCF-style: chr8-31147099-G-T. GRCh37 (hg19) VCF-style: chr8-31004615-G-T.
Other names: short protein forms V1144F.
Identifiers: ClinVar variation 1440122 (VCV001440122.8), dbSNP rs2130438955, ClinGen allele CA370925404.